The following is an entry in ClinVar:

ClinVar aggregate classification (germline): Benign. Review status: criteria provided, multiple submitters, no conflicts (2 of 4 stars). 2 submissions from 2 submitters: Benign (2). Last evaluated 2018-01-13.

Conditions:
Isolated focal non-epidermolytic palmoplantar keratoderma. Also called: Palmoplantar keratoderma, nonepidermolytic, focal 2. Identifiers: Orphanet 448264, MedGen C4225339, MONDO:0014622, OMIM 616400.

Allele frequency attached by ClinVar (database versions not stated): TOPMed 0.40893; gnomAD 0.41362 and 0.42170; 1000 Genomes Project 0.36701; gnomAD exomes 0.38462; 1000 Genomes Project 30x 0.36384.
gnomAD v4.1: 62,845 of 151,954 alleles (41%); highest among the groups gnomAD compares: African/African-American, 47%; 13,221 homozygotes.

Submissions (2):

Illumina Laboratory Services, Illumina
Classification: Benign for Isolated focal non-epidermolytic palmoplantar keratoderma. Last evaluated: 2018-01-13. Review status: criteria provided, single submitter. Criteria: ICSL Variant Classification Criteria 13 December 2019. Collection method: clinical testing. Allele origin: germline.
Comment: This variant was observed in the ICSL laboratory as part of a predisposition screen in an ostensibly healthy population. It had not been previously curated by ICSL or reported in the Human Gene Mutation Database (HGMD: prior to June 1st, 2018), and was therefore a candidate for classification through an automated scoring system. Utilizing variant allele frequency, disease prevalence and penetrance estimates, and inheritance mode, an automated score was calculated to assess if this variant is too frequent to cause the disease. Based on the score and internal cut-off values, a variant classified as benign is not then subjected to further curation. The score for this variant resulted in a classification of benign for this disease.

Breakthrough Genomics
Classification: Benign. Review status: criteria provided, single submitter. Criteria: ACMG Guidelines, 2015. Collection method: not provided. Allele origin: germline. Inheritance: Autosomal dominant inheritance. Affected: yes.

NM_145068.4(TRPV3):c.*902T>G

Genes: SPATA22 (spermatogenesis associated 22; minus strand), TRPV3 (transient receptor potential cation channel subfamily V member 3; minus strand). Cytogenetic location: 17p13.2.
Variant type: single nucleotide variant.
Coding change: c.*902T>G on transcript NM_145068.4 (MANE Select); 902 bases downstream of the stop codon, T replaced by G.
Molecular consequence: 3 prime UTR variant. On other transcripts: intron variant (2).
Genome position (GRCh38, 1-based): chr17:3,513,015, A>C on the plus strand (T>G on the coding strand, the complement: TRPV3 is on the minus strand). VCF-style: chr17-3513015-A-C. GRCh37 (hg19) VCF-style: chr17-3416309-A-C.
Other names: c.-74+397T>G (NM_001321337.2, NM_001321336.2); c.*902T>G (NM_001258205.2).
Identifiers: ClinVar variation 322731 (VCV000322731.8), dbSNP rs7209047, ClinGen allele CA10639416.